The following is an entry in ClinVar:

ClinVar aggregate classification (germline): Uncertain significance (1 of 4 stars; one submission).

Allele frequency attached by ClinVar (database versions not stated): TOPMed below 0.00001; ExAC 0.00001; gnomAD exomes 0.00001.
gnomAD v4.1: 5 of 1,613,650 alleles (0.00031%); highest among the groups gnomAD compares: Non-Finnish European, 0.00042%; no homozygotes.

Submission:

Ambry Genetics
Classification: Uncertain significance. Last evaluated: 2021-10-07. Review status: criteria provided, single submitter. Criteria: Ambry Variant Classification Scheme 2023. Collection method: clinical testing. Allele origin: germline.
Comment: The p.K741E variant (also known as c.2221A>G), located in coding exon 13 of the NPAT gene, results from an A to G substitution at nucleotide position 2221. The lysine at codon 741 is replaced by glutamic acid, an amino acid with similar properties. This amino acid position is conserved. In addition, this alteration is predicted to be tolerated by in silico analysis. Since supporting evidence is limited at this time, the clinical significance of this alteration remains unclear.

NM_002519.3(NPAT):c.2221A>G (p.Lys741Glu)

Gene: NPAT (nuclear protein, coactivator of histone transcription; minus strand). Cytogenetic location: 11q22.3.
Variant type: single nucleotide variant.
Coding change: c.2221A>G on transcript NM_002519.3 (MANE Select); coding-DNA position 2221, A replaced by G.
Protein change: p.Lys741Glu; replaces lysine 741 with glutamic acid.
Molecular consequence: missense variant.
Genome position (GRCh38, 1-based): chr11:108,172,763, T>C on the plus strand (A>G on the coding strand, the complement: NPAT is on the minus strand). VCF-style: chr11-108172763-T-C. GRCh37 (hg19) VCF-style: chr11-108043490-T-C.
Other names: c.2221A>G, p.Lys741Glu (NM_001321307.1); short protein forms K741E.
Identifiers: ClinVar variation 1787932 (VCV001787932.2), dbSNP rs775333918, ClinGen allele CA6263856.